The following is an entry in ClinVar:

ClinVar aggregate classification (germline): Uncertain significance (1 of 4 stars; one submission).

Conditions:
Hereditary cancer-predisposing syndrome. Also called: Neoplastic Syndromes, Hereditary; Tumor predisposition; Hereditary Cancer Syndrome; Hereditary neoplastic syndrome. Identifiers: Orphanet 140162, MedGen C0027672, MeSH D009386, MONDO:0015356.

Submission:

Ambry Genetics
Classification: Uncertain significance for Hereditary cancer-predisposing syndrome. Last evaluated: 2024-11-08. Review status: criteria provided, single submitter. Criteria: Ambry Variant Classification Scheme 2023. Collection method: clinical testing. Allele origin: germline.
Comment: The p.G686S variant (also known as c.2056G>A), located in coding exon 4 of the MSH6 gene, results from a G to A substitution at nucleotide position 2056. The glycine at codon 686 is replaced by serine, an amino acid with similar properties. This amino acid position is well conserved in available vertebrate species. In addition, the in silico prediction for this alteration is inconclusive. Based on the available evidence, the clinical significance of this variant remains unclear.

NM_000179.3(MSH6):c.2056G>A (p.Gly686Ser)

Gene: MSH6 (mutS homolog 6; plus strand). Cytogenetic location: 2p16.3.
Variant type: single nucleotide variant.
Coding change: c.2056G>A on transcript NM_000179.3 (MANE Select); coding-DNA position 2056, G replaced by A.
Protein change: p.Gly686Ser; replaces glycine 686 with serine.
Molecular consequence: missense variant.
Genome position (GRCh38, 1-based): chr2:47,800,039, G>A. VCF-style: chr2-47800039-G-A. GRCh37 (hg19) VCF-style: chr2-48027178-G-A.
Other names: c.1666G>A, p.Gly556Ser (NM_001281492.2); c.1150G>A, p.Gly384Ser (NM_001281493.2, NM_001281494.2); short protein forms G686S, G384S, G556S.
Identifiers: ClinVar variation 820613 (VCV000820613.5), dbSNP rs1060502934, ClinGen allele CA346750767.